The following is an entry in ClinVar:

ClinVar aggregate classification (germline): Likely pathogenic (1 of 4 stars; one submission).

Conditions:
Usher syndrome type 1 (USH1). Also called: RETINITIS PIGMENTOSA AND CONGENITAL DEAFNESS. Identifiers: Orphanet 231169, Orphanet 886, MedGen C1568247, MONDO:0010168, OMIM 276900.

Submission:

Natera, Inc.
Classification: Likely pathogenic for Usher syndrome type 1. Last evaluated: 2025-04-17. Review status: criteria provided, single submitter. Criteria: Natera Variant Classification Schema (03/2026). Collection method: clinical testing. Allele origin: germline.
Comment: The c.8488C>T variant in CDH23 is a nonsense variant predicted to introduce a stop codon at amino acid 2830. This variant is expected to result in nonsense mediated decay, truncation, or a dysfunctional protein product. This variant is rare in the general population with a frequency below the threshold expected for the associated phenotype(s). Given the available evidence, this variant is classified as Likely Pathogenic.

NM_022124.6(CDH23):c.8488C>T (p.Gln2830Ter)

Gene: CDH23 (cadherin related 23; plus strand). Cytogenetic location: 10q22.1.
Variant type: single nucleotide variant.
Coding change: c.8488C>T on transcript NM_022124.6 (MANE Select); coding-DNA position 8488, C replaced by T.
Protein change: p.Gln2830Ter; replaces glutamine 2830 with a stop codon.
Molecular consequence: nonsense.
Genome position (GRCh38, 1-based): chr10:71,807,695, C>T. VCF-style: chr10-71807695-C-T. GRCh37 (hg19) VCF-style: chr10-73567452-C-T.
Other names: c.1768C>T, p.Gln590Ter (NM_001171933.1, NM_001171934.1); short protein forms Q2830*, Q590*.
Identifiers: ClinVar variation 4064046 (VCV004064046.2).